The following is an entry in ClinVar:

NM_001042492.3(NF1):c.6182_6183insGGCCGCGCCGGCGAGCGCCGCCCGGGAGGCAGCGGCTGGAGGAGCGGACGGGCCCCGCGGGGCCCNNNNNNNNNNAAAAAAAAAAAAAAAAAAAAAAAATAATTGACAAGAC (p.Thr2061_Cys2062insAlaAlaProAlaSerAlaAlaArgGluAlaAlaAlaGlyGlyAlaAspGlyProArgGlyAlaXaaXaaXaaXaaLysLysLysLysLysLysLysAsnAsnTer)

Gene: NF1 (neurofibromin 1; plus strand). Cytogenetic location: 17q11.2.
Variant type: Microsatellite.
Coding change: c.6182_6183insGGCCGCGCCGGCGAGCGCCGCCCGGGAGGCAGCGGCTGGAGGAGCGGACGGGCCCCGCGGGGCCCNNNNNNNNNNAAAAAAAAAAAAAAAAAAAAAAAATAATTGACAAGAC on transcript NM_001042492.3 (MANE Select); coding-DNA positions 6182 to 6183, GGCCGCGCCGGCGAGCGCCGCCCGGGAGGCAGCGGCTGGAGGAGCGGACGGGCCCCGCGGGGCCCNNNNNNNNNNAAAAAAAAAAAAAAAAAAAAAAAATAATTGACAAGAC inserted.
Protein change: p.Thr2061_Cys2062insAlaAlaProAlaSerAlaAlaArgGluAlaAlaAlaGlyGlyAlaAspGlyProArgGlyAlaXaaXaaXaaXaaLysLysLysLysLysLysLysAsnAsnTer.
Molecular consequence: nonsense, inframe insertion. On other transcripts: frameshift variant (1).
Genome position: GRCh38: chr17:31,336,653-31,336,669. GRCh37 (hg19): chr17:29,663,671-29,663,687.
Other names: c.6103_6119A[4][1], p.Ile2036Asnfs (NM_000267.4).
Identifiers: ClinVar variation 2839316 (VCV002839316.3).

ClinVar aggregate classification (germline): Pathogenic (1 of 4 stars; one submission).

Conditions:
Neurofibromatosis, type 1 (NF1). Also called: Neurofibromatosis, type I; VON RECKLINGHAUSEN DISEASE; NEUROFIBROMATOSIS, TYPE I, SOMATIC; Peripheral type neurofibromatosis. Identifiers: Orphanet 636, MedGen C0027831, MONDO:0018975, OMIM 162200. Disease mechanism: loss of function.

Submission:

Labcorp Genetics (formerly Invitae), Labcorp
Classification: Pathogenic for Neurofibromatosis, type 1. Last evaluated: 2023-02-20. Review status: criteria provided, single submitter. Criteria: Invitae Variant Classification Sherloc (09022015). Collection method: clinical testing. Allele origin: germline.
Comment: For these reasons, this variant has been classified as Pathogenic. Retrotransposon insertions including LINE1 (L1), Alu, and SVA (SINE-VNTR-Alu) have been reported to be disease-causing through disruption of either a coding region or splice site (PMID: 19763152, 20307669, 22406018) and loss-of-function variants in NF1 are known to be pathogenic (PMID: 10712197, 23913538). This variant has not been reported in the literature in individuals affected with NF1-related conditions. This variant is not present in population databases (gnomAD no frequency). This sequence change inserts a large fragment of DNA, likely a transposable element, in exon 41 of the NF1 gene (c.6119_6120ins?), causing a frameshift at codon 2040 (p.Thr2040fs). The exact size and sequence of the insertion cannot be determined by the current assay. However, the insertion is expected to result in an absent or disrupted protein product.

Literature cited by the submitters: PubMed 19763152; PubMed 20307669; PubMed 22406018; PubMed 10712197; PubMed 23913538.